The following is an entry in ClinVar:

ClinVar aggregate classification (germline): Likely benign. Review status: criteria provided, multiple submitters, no conflicts (2 of 4 stars). 7 submissions from 6 submitters: Likely benign (6). 1 of the submissions does not count toward it. Last evaluated 2025-07-23.

Conditions:
USH2A-related disorder. Also called: USH2A-related condition; USH2A-related disorders. Identifiers: MedGen CN239332.
Retinitis pigmentosa 39 (RP39). Identifiers: Orphanet 791, MedGen C3151138, MONDO:0013436, OMIM 613809.
Usher syndrome type 2A. Also called: USHER SYNDROME, TYPE IIA; RETINAL DISEASE IN USHER SYNDROME TYPE IIA, MODIFIER OF. Identifiers: Orphanet 231178, Orphanet 886, MedGen C1848634, MONDO:0010169, OMIM 276901.

Allele frequency attached by ClinVar (database versions not stated): ExAC 0.00002; gnomAD exomes 0.00002 and 0.00004; gnomAD 0.00006 and 0.00007; TOPMed 0.00006; ESP Exome Variant Server 0.00015.
gnomAD v4.1: 73 of 1,614,068 alleles (0.0045%); highest among the groups gnomAD compares: Non-Finnish European, 0.0054%; no homozygotes.

Submissions (7):

PreventionGenetics, part of Exact Sciences
Classification: Likely benign for USH2A-related condition. Last evaluated: 2025-07-23. Review status: criteria provided, single submitter. Criteria: ACMG Guidelines, 2015. Collection method: clinical testing. Allele origin: germline.
Comment: This variant is classified as likely benign based on ACMG/AMP sequence variant interpretation guidelines (Richards et al. 2015 PMID: 25741868, with internal and published modifications).

Labcorp Genetics (formerly Invitae), Labcorp
Classification: Likely benign. Last evaluated: 2025-04-07. Review status: criteria provided, single submitter. Criteria: Invitae Variant Classification Sherloc (09022015). Collection method: clinical testing. Allele origin: germline.

Genome-Nilou Lab
Classification: Likely benign for Retinitis pigmentosa 39. Last evaluated: 2023-11-04. Review status: criteria provided, single submitter. Criteria: ACMG Guidelines, 2015. Collection method: clinical testing. Allele origin: germline. Affected: no.

Genome-Nilou Lab
Classification: Likely benign for Usher syndrome type 2A. Last evaluated: 2023-11-04. Review status: criteria provided, single submitter. Criteria: ACMG Guidelines, 2015. Collection method: clinical testing. Allele origin: germline. Affected: no.

Blueprint Genetics
Classification: Likely benign. Last evaluated: 2021-08-31. Review status: criteria provided, single submitter. Criteria: ACMG Guidelines, 2015. Collection method: clinical testing. Allele origin: germline.

Laboratory for Molecular Medicine, Mass General Brigham Personalized Medicine
Classification: Likely benign. Last evaluated: 2015-04-16. Review status: criteria provided, single submitter. Criteria: LMM Criteria. Collection method: clinical testing. Allele origin: germline. Observed: 1 variant allele.
Comment: p.Ile4837Ile in Exon 66 of USH2A: This variant is not expected to have clinical significance because it does not alter an amino acid residue and is not located within the splice consensus sequence. This variant has been identified in 2/6673 8 European chromosomes by the Exome Aggregation Consortium (ExAC; dbSNP rs139847770).

Counsyl
Classification: Likely benign for Usher syndrome type 2A; Retinitis pigmentosa 39. Last evaluated: 2017-01-19. Review status: no assertion criteria provided. Collection method: clinical testing. Allele origin: unknown. Not counted in ClinVar's aggregate classification.

NM_206933.4(USH2A):c.14511C>T (p.Ile4837=)

Gene: USH2A (usherin; minus strand). Cytogenetic location: 1q41.
Variant type: single nucleotide variant.
Coding change: c.14511C>T on transcript NM_206933.4 (MANE Select); coding-DNA position 14511, C replaced by T.
Protein change: p.Ile4837=; no amino-acid change (isoleucine 4837 retained).
Molecular consequence: synonymous variant.
Genome position (GRCh38, 1-based): chr1:215,648,599, G>A on the plus strand (C>T on the coding strand, the complement: USH2A is on the minus strand). VCF-style: chr1-215648599-G-A. GRCh37 (hg19) VCF-style: chr1-215821941-G-A.
Identifiers: ClinVar variation 228205 (VCV000228205.18), dbSNP rs139847770, ClinGen allele CA1393008.